The following is an entry in ClinVar:

ClinVar aggregate classification (germline): Benign/Likely benign. Review status: criteria provided, multiple submitters, no conflicts (2 of 4 stars). 4 submissions from 4 submitters: Benign (1); Likely benign (3). Last evaluated 2026-05-14.

Conditions:
Hereditary cancer-predisposing syndrome. Also called: Hereditary neoplastic syndrome; Neoplastic Syndromes, Hereditary; Hereditary Cancer Syndrome; Tumor predisposition. Identifiers: Orphanet 140162, MedGen C0027672, MeSH D009386, MONDO:0015356.
Cardiovascular phenotype. Identifiers: MedGen CN230736.
Neurofibromatosis, type 1 (NF1). Also called: Peripheral type neurofibromatosis; Neurofibromatosis, type I; VON RECKLINGHAUSEN DISEASE; NEUROFIBROMATOSIS, TYPE I, SOMATIC. Identifiers: Orphanet 636, MedGen C0027831, MONDO:0018975, OMIM 162200. Disease mechanism: loss of function.

Allele frequency attached by ClinVar (database versions not stated): gnomAD exomes below 0.00001.
gnomAD v4.1: 1 of 1,546,412 alleles (0.000065%); highest among the groups gnomAD compares: Non-Finnish European, 0.000088%; no homozygotes.

Submissions (4):

Myriad Genetics, Inc.
Classification: Benign for Neurofibromatosis, type 1. Last evaluated: 2026-05-14. Review status: criteria provided, single submitter. Criteria: Myriad Autosomal Dominant, Autosomal Recessive and X-Linked Classification Criteria (2023). Collection method: clinical testing. Allele origin: unknown.
Comment: This variant is considered benign. This variant is a silent/synonymous amino acid change and it is not expected to impact splicing.

Labcorp Genetics (formerly Invitae), Labcorp
Classification: Likely benign for Neurofibromatosis, type 1. Last evaluated: 2025-08-05. Review status: criteria provided, single submitter. Criteria: Invitae Variant Classification Sherloc (09022015). Collection method: clinical testing. Allele origin: germline.

Genome-Nilou Lab
Classification: Likely benign for Neurofibromatosis, type 1. Last evaluated: 2022-03-15. Review status: criteria provided, single submitter. Criteria: ACMG Guidelines, 2015. Collection method: clinical testing. Allele origin: germline. Affected: no.

Ambry Genetics
Classification: Likely benign for Cardiovascular phenotype; Hereditary cancer-predisposing syndrome. Last evaluated: 2016-05-02. Review status: criteria provided, single submitter. Criteria: Ambry Variant Classification Scheme 2023. Collection method: clinical testing. Allele origin: germline.

NM_001042492.3(NF1):c.537G>A (p.Leu179=)

Gene: NF1 (neurofibromin 1; plus strand). Cytogenetic location: 17q11.2.
Variant type: single nucleotide variant.
Coding change: c.537G>A on transcript NM_001042492.3 (MANE Select); coding-DNA position 537, G replaced by A.
Protein change: p.Leu179=; no amino-acid change (leucine 179 retained).
Molecular consequence: synonymous variant.
Genome position (GRCh38, 1-based): chr17:31,169,948, G>A. VCF-style: chr17-31169948-G-A. GRCh37 (hg19) VCF-style: chr17-29496966-G-A.
Other names: c.537G>A, p.Leu179= (NM_000267.4, NM_001128147.3).
Identifiers: ClinVar variation 484033 (VCV000484033.13), dbSNP rs1555607095, ClinGen allele CA499201486.